The following is an entry in ClinVar:

NM_001177316.2(SLC34A3):c.926-2A>C

Gene: SLC34A3 (solute carrier family 34 member 3; plus strand). Cytogenetic location: 9q34.3.
Variant type: single nucleotide variant.
Coding change: c.926-2A>C on transcript NM_001177316.2 (MANE Select); the canonical splice acceptor site of the intron before coding-DNA position 926, A replaced by C.
Molecular consequence: splice acceptor variant.
Genome position (GRCh38, 1-based): chr9:137,234,107, A>C. VCF-style: chr9-137234107-A-C. GRCh37 (hg19) VCF-style: chr9-140128559-A-C.
Other names: c.926-2A>C (NM_001177317.2, NM_080877.3).
Identifiers: ClinVar variation 4857261 (VCV004857261.1).

ClinVar aggregate classification (germline): Uncertain significance (1 of 4 stars; one submission).

Conditions:
Autosomal recessive hypophosphatemic bone disease (HHRH). Also called: HYPERCALCIURIC RICKETS; Hypophosphatemic rickets with hypercalciuria. Identifiers: Orphanet 157215, MedGen C1853271, MONDO:0009431, OMIM 241530.

gnomAD v4.1: 3 of 1,116,064 alleles (0.00027%); highest among the groups gnomAD compares: Non-Finnish European, 0.00033%; no homozygotes.

Submission:

MVZ Medizinische Genetik Mainz
Classification: Uncertain significance for Autosomal recessive hypophosphatemic bone disease. Last evaluated: 2025-02-24. Review status: criteria provided, single submitter. Criteria: UK Practice Guidelines For Variant Classification V4 01 2020. Collection method: clinical testing. Allele origin: germline. Inheritance: Autosomal recessive inheritance. Affected: yes. Observed: 1 variant allele.
Comment: ACMG Criteria: PVS1_MOD,PM2_SUP,PM3_SUP,PP4; Compound Heterozygote